The following is an entry in ClinVar:

NM_001351132.2(PEX5):c.966+3G>A

Gene: PEX5 (peroxisomal biogenesis factor 5; plus strand). Cytogenetic location: 12p13.31.
Variant type: single nucleotide variant.
Coding change: c.966+3G>A on transcript NM_001351132.2 (MANE Select); 3 bases into the intron after coding-DNA position 966, G replaced by A.
Molecular consequence: intron variant.
Genome position (GRCh38, 1-based): chr12:7,203,554, G>A. VCF-style: chr12-7203554-G-A. GRCh37 (hg19) VCF-style: chr12-7356150-G-A.
Other names: c.855+3G>A (NM_001351124.3, NM_001351126.2, NM_001374646.1 and 7 more transcripts); c.966+3G>A (NM_001131026.2, NM_001351131.2, NM_001374647.2 and 5 more transcripts); c.831+3G>A (NM_001374649.2, NM_001351140.2, NM_001351139.2); c.900+3G>A (NM_001351135.3, NM_001351138.2); c.1011+3G>A (NM_001131023.2); c.942+3G>A (NM_000319.5).
Identifiers: ClinVar variation 235440 (VCV000235440.14), dbSNP rs373763823, ClinGen allele CA6426323.

ClinVar aggregate classification (germline): Conflicting classifications of pathogenicity. Review status: criteria provided, conflicting classifications (1 of 4 stars). 5 submissions from 5 submitters: Uncertain significance (4); Likely benign (1). Last evaluated 2025-08-06.

Conditions:
PEX5-related disorder. Also called: PEX5-related condition; PEX5-Related Disorders.
Peroxisome biogenesis disorder 2A (Zellweger) (PBD2A). Also called: Cerebrohepatorenal syndrome, variant types. Identifiers: Orphanet 912, MedGen C3550273, MONDO:0008954, OMIM 214110.
Peroxisome biogenesis disorder 2B (PBD2B). Identifiers: Orphanet 44, MedGen C3550234, MONDO:0008736, OMIM 202370.

Allele frequency attached by ClinVar (database versions not stated): TOPMed 0.00012; gnomAD exomes 0.00006 and 0.00011; ExAC 0.00008; ESP Exome Variant Server 0.00008; gnomAD 0.00011.
gnomAD v4.1: 178 of 1,613,148 alleles (0.011%); highest among the groups gnomAD compares: Admixed American, 0.015%; no homozygotes.

Submissions (5):

PreventionGenetics, part of Exact Sciences
Classification: Likely benign for PEX5-related condition. Last evaluated: 2025-08-06. Review status: criteria provided, single submitter. Criteria: ACMG Guidelines, 2015. Collection method: clinical testing. Allele origin: germline.
Comment: This variant is classified as likely benign based on ACMG/AMP sequence variant interpretation guidelines (Richards et al. 2015 PMID: 25741868, with internal and published modifications).

Women's Health and Genetics/Laboratory Corporation of America, LabCorp
Classification: Uncertain significance. Last evaluated: 2025-01-02. Review status: criteria provided, single submitter. Criteria: LabCorp Variant Classification Summary - May 2015. Collection method: clinical testing. Allele origin: germline.
Comment: Variant summary: PEX5 c.966+3G>A alters a non-conserved nucleotide located close to a canonical splice site and therefore could affect mRNA splicing, leading to a significantly altered protein sequence. Consensus agreement among computation tools predict no significant impact on normal splicing. However, these predictions have yet to be confirmed by functional studies. The variant allele was found at a frequency of 6.4e-05 in 249856 control chromosomes. This frequency is not significantly higher than estimated for a pathogenic variant in PEX5 causing PEX5-Related Disorders, allowing no conclusion about variant significance. To our knowledge, no occurrence of c.966+3G>A in individuals affected with PEX5-Related Disorders and no experimental evidence demonstrating its impact on protein function have been reported. ClinVar contains an entry for this variant (Variation ID: 235440). Based on the evidence outlined above, the variant was classified as uncertain significance.

Labcorp Genetics (formerly Invitae), Labcorp
Classification: Uncertain significance for Peroxisome biogenesis disorder 2B. Last evaluated: 2022-10-13. Review status: criteria provided, single submitter. Criteria: Invitae Variant Classification Sherloc (09022015). Collection method: clinical testing. Allele origin: germline.
Comment: This sequence change falls in intron 10 of the PEX5 gene. It does not directly change the encoded amino acid sequence of the PEX5 protein. It affects a nucleotide within the consensus splice site. This variant is present in population databases (rs373763823, gnomAD 0.01%). This variant has not been reported in the literature in individuals affected with PEX5-related conditions. ClinVar contains an entry for this variant (Variation ID: 235440). Variants that disrupt the consensus splice site are a relatively common cause of aberrant splicing (PMID: 17576681, 9536098). Algorithms developed to predict the effect of sequence changes on RNA splicing suggest that this variant may disrupt the consensus splice site. In summary, the available evidence is currently insufficient to determine the role of this variant in disease. Therefore, it has been classified as a Variant of Uncertain Significance.

Illumina Laboratory Services, Illumina
Classification: Uncertain significance for Peroxisome biogenesis disorder 2A (Zellweger). Last evaluated: 2018-01-13. Review status: criteria provided, single submitter. Criteria: ICSL Variant Classification Criteria 13 December 2019. Collection method: clinical testing. Allele origin: germline.

Center for Pediatric Genomic Medicine, Children's Mercy Hospital and Clinics
Classification: Uncertain significance. Last evaluated: 2016-03-18. Review status: criteria provided, single submitter. Criteria: ACMG Guidelines, 2015. Collection method: clinical testing. Allele origin: germline.
ClinVar note: Converted during submission from Uncertain Significance to Uncertain significance.

Literature cited by the submitters: PubMed 17576681 (cited by Labcorp Genetics (formerly Invitae), Labcorp); PubMed 9536098 (cited by Labcorp Genetics (formerly Invitae), Labcorp).